The following is an entry in ClinVar:

ClinVar aggregate classification (germline): Benign. Review status: criteria provided, multiple submitters, no conflicts (2 of 4 stars). 2 submissions from 2 submitters: Benign (2). Last evaluated 2019-01-11.

Allele frequency attached by ClinVar (database versions not stated): 1000 Genomes Project 30x 0.81621; 1000 Genomes Project 0.81949; TOPMed 0.85358; gnomAD 0.87241 and 0.87419; gnomAD exomes 0.87500.
gnomAD v4.1: 133,108 of 152,174 alleles (87%); highest among the groups gnomAD compares: Non-Finnish European, 96%; 59,076 homozygotes.

Submissions (2):

GeneDx
Classification: Benign. Last evaluated: 2019-01-11. Review status: criteria provided, single submitter. Criteria: GeneDx Variant Classification Process June 2021. Collection method: clinical testing. Allele origin: germline. Affected: yes.
Comment: This variant is associated with the following publications: (PMID: 28286146)

Breakthrough Genomics
Classification: Benign. Review status: criteria provided, single submitter. Criteria: ACMG Guidelines, 2015. Collection method: not provided. Allele origin: germline. Inheritance: Unknown mechanism. Affected: yes.

NM_005653.5(TFCP2):c.*788T>C

Gene: TFCP2 (transcription factor CP2; minus strand). Cytogenetic location: 12q13.12.
Variant type: single nucleotide variant.
Coding change: c.*788T>C on transcript NM_005653.5 (MANE Select); 788 bases downstream of the stop codon, T replaced by C.
Molecular consequence: 3 prime UTR variant.
Genome position (GRCh38, 1-based): chr12:51,094,453, A>G on the plus strand (T>C on the coding strand, the complement: TFCP2 is on the minus strand). VCF-style: chr12-51094453-A-G. GRCh37 (hg19) VCF-style: chr12-51488236-A-G.
Other names: c.*788T>C (NM_001173452.2, NM_001173453.2).
Identifiers: ClinVar variation 1257935 (VCV001257935.3), dbSNP rs10876135, ClinGen allele CA13667306.
Genomic context (GRCh38, chr12:51,094,453, plus strand): 5'-ATGTTGTAGTCACCAGAAGGGCCACAGTAATAAGCGAAGTGAACACAGGTTATAATGGGT[A>G]GCACTGGTGGTATGAGAGGGTGAATAAGGAGGGCCAGATTGCCTGGTTTGGATTTCAGCA-3'